The following is an entry in ClinVar:

ClinVar aggregate classification (germline): Uncertain significance (1 of 4 stars; one submission).

Allele frequency attached by ClinVar (database versions not stated): ExAC 0.00001; gnomAD exomes 0.00001 and 0.00004.

Submission:

Labcorp Genetics (formerly Invitae), Labcorp
Classification: Uncertain significance. Last evaluated: 2021-02-15. Review status: criteria provided, single submitter. Criteria: Invitae Variant Classification Sherloc (09022015). Collection method: clinical testing. Allele origin: germline.
Comment: This sequence change replaces methionine with valine at codon 107 of the MAPKAPK3 protein (p.Met107Val). The methionine residue is highly conserved and there is a small physicochemical difference between methionine and valine. This variant is present in population databases (rs769899324, ExAC 0.002%). This variant has not been reported in the literature in individuals with MAPKAPK3-related conditions. Algorithms developed to predict the effect of missense changes on protein structure and function are either unavailable or do not agree on the potential impact of this missense change (SIFT: "Deleterious"; PolyPhen-2: "Benign"; Align-GVGD: "Class C0"). In summary, the available evidence is currently insufficient to determine the role of this variant in disease. Therefore, it has been classified as a Variant of Uncertain Significance.

NM_001243925.2(MAPKAPK3):c.319A>G (p.Met107Val)

Gene: MAPKAPK3 (MAPK activated protein kinase 3; plus strand). Cytogenetic location: 3p21.2.
Variant type: single nucleotide variant.
Coding change: c.319A>G on transcript NM_001243925.2 (MANE Select); coding-DNA position 319, A replaced by G.
Protein change: p.Met107Val; replaces methionine 107 with valine.
Molecular consequence: missense variant.
Genome position (GRCh38, 1-based): chr3:50,640,465, A>G. VCF-style: chr3-50640465-A-G. GRCh37 (hg19) VCF-style: chr3-50677896-A-G.
Other names: c.319A>G, p.Met107Val (NM_001243926.2, NM_004635.5); short protein forms M107V.
Identifiers: ClinVar variation 1398960 (VCV001398960.8), dbSNP rs769899324, ClinGen allele CA2420210.